The following is an entry in ClinVar:

ClinVar aggregate classification (germline): Uncertain significance (1 of 4 stars; one submission).

gnomAD v4.1: 26 of 1,613,484 alleles (0.0016%); highest among the groups gnomAD compares: Non-Finnish European, 0.002%; no homozygotes.

Submission:

Labcorp Genetics (formerly Invitae), Labcorp
Classification: Uncertain significance. Last evaluated: 2023-03-02. Review status: criteria provided, single submitter. Criteria: Invitae Variant Classification Sherloc (09022015). Collection method: clinical testing. Allele origin: germline.
Comment: Advanced modeling of protein sequence and biophysical properties (such as structural, functional, and spatial information, amino acid conservation, physicochemical variation, residue mobility, and thermodynamic stability) performed at Invitae indicates that this missense variant is not expected to disrupt HERC1 protein function. This sequence change replaces alanine, which is neutral and non-polar, with serine, which is neutral and polar, at codon 1527 of the HERC1 protein (p.Ala1527Ser). This variant is present in population databases (rs748070202, gnomAD 0.004%). This variant has not been reported in the literature in individuals affected with HERC1-related conditions. In summary, the available evidence is currently insufficient to determine the role of this variant in disease. Therefore, it has been classified as a Variant of Uncertain Significance.

NM_003922.4(HERC1):c.4579G>T (p.Ala1527Ser)

Gene: HERC1 (HECT and RLD domain containing E3 ubiquitin protein ligase family member 1; minus strand). Cytogenetic location: 15q22.31.
Variant type: single nucleotide variant.
Coding change: c.4579G>T on transcript NM_003922.4 (MANE Select); coding-DNA position 4579, G replaced by T.
Protein change: p.Ala1527Ser; replaces alanine 1527 with serine.
Molecular consequence: missense variant.
Genome position (GRCh38, 1-based): chr15:63,712,780, C>A on the plus strand (G>T on the coding strand, the complement: HERC1 is on the minus strand). VCF-style: chr15-63712780-C-A. GRCh37 (hg19) VCF-style: chr15-64004979-C-A.
Other names: short protein forms A1527S.
Identifiers: ClinVar variation 2891346 (VCV002891346.1), dbSNP rs748070202, ClinGen allele CA7605765.